The following is an entry in ClinVar:

ClinVar aggregate classification (germline): Likely pathogenic. Review status: criteria provided, multiple submitters, no conflicts (2 of 4 stars). 2 submissions from 2 submitters: Likely pathogenic (2). Last evaluated 2025-12-22.

Conditions:
Dilated cardiomyopathy 1G (CMD1G). Identifiers: Orphanet 154, MedGen C1858763, MONDO:0011400, OMIM 604145.
Hypertrophic cardiomyopathy 9. Also called: Familial hypertrophic cardiomyopathy 9. Identifiers: MedGen C1861065, MONDO:0013412, OMIM 613765.
Autosomal recessive limb-girdle muscular dystrophy type 2J (LGMDR10). Also called: Limb-girdle muscular dystrophy, type 2J; MUSCULAR DYSTROPHY, LIMB-GIRDLE, AUTOSOMAL RECESSIVE 10. Identifiers: Orphanet 140922, MedGen C1837342, MONDO:0012127, OMIM 608807.

Submissions (2):

Clinical Genomics Laboratory, Washington University in St. Louis
Classification: Likely pathogenic for Dilated cardiomyopathy 1G; Hypertrophic cardiomyopathy 9. Last evaluated: 2025-12-22. Review status: criteria provided, single submitter. Criteria: ACMG Guidelines, 2015. Collection method: clinical testing. Allele origin: germline. Affected: yes.
Comment: A TTN c.60348del (p.Ser20117Valfs*26) variant was identified in a heterozygous state. This variant, to our knowledge, has not been reported in the medical literature. It has been reported in the ClinVar database as a germline likely pathogenic variant by one submitter (Variation ID: 2941856). It is absent from the general population (gnomAD v2.1.1), indicating it is not a common variant. It causes a frameshift by deleting one nucleotide, leading to a premature termination codon, which is predicted to lead to nonsense mediated decay. It is present in the N2BA/N2B cardiac long isoform / N2A skeletal long isoform. This is a truncating variant located in the A-band that binds myosin and myosin-binding protein stabilizes the thick filament and affect gene expression and cardiac remodeling in DCM. Truncating TTN variants that alter both N2BA and N2B isoforms are strongly enriched in DCM patients compared to controls (Roberts AM et al., PMID: 25589632). Truncating TTN variants in the A-band are strongly associated with the occurrence of DCM, with larger Left Ventricular End-Diastolic Dimension (LVEDDi) indices compared to patients with truncating variants outside of the A-band (Jolfayin AG et al., PMID: 38438525; Xiao L et al., PMID: 33996946). This exon has a high percentage/proportion spliced-in (PSI = 100%), meaning it is a highly expressed exon incorporated into either the N2B or N2BA isoforms (Vatta M et al., PMID: 39968638). Truncating variants in exons with high PSI, mainly in the A-band and distal I-band, have stronger evidence of pathogenicity and are associated with dilated cardiomyopathy (DCM) (Roberts AM et al., PMID: 25589632; Schafer et al., PMID: 27869827). Based on available information and the ACMG/AMP guidelines for variant interpretation (Richards S et al., PMID: 25741868), this variant is classified as likely pathogenic.

Labcorp Genetics (formerly Invitae), Labcorp
Classification: Likely pathogenic for Dilated cardiomyopathy 1G; Autosomal recessive limb-girdle muscular dystrophy type 2J. Last evaluated: 2022-11-26. Review status: criteria provided, single submitter. Criteria: Invitae Variant Classification Sherloc (09022015). Collection method: clinical testing. Allele origin: germline.
Comment: This variant is located in the A band of TTN (PMID: 25589632). Truncating variants in this region are significantly overrepresented in patients affected with dilated cardiomyopathy (PMID: 25589632). Truncating variants in this region have also been reported in individuals affected with autosomal recessive centronuclear myopathy (PMID: 23975875). In summary, the currently available evidence indicates that the variant is pathogenic, but additional data are needed to prove that conclusively. Therefore, this variant has been classified as Likely Pathogenic. This variant has not been reported in the literature in individuals affected with TTN-related conditions. This variant is not present in population databases (gnomAD no frequency). This sequence change creates a premature translational stop signal (p.Ser20117Valfs*26) in the TTN gene. While this is not anticipated to result in nonsense mediated decay, it is expected to create a truncated TTN protein.

Literature cited by the submitters: uncertain (cited by Clinical Genomics Laboratory, Washington University in St. Louis); PubMed 25589632 (cited by Labcorp Genetics (formerly Invitae), Labcorp); PubMed 23975875 (cited by Labcorp Genetics (formerly Invitae), Labcorp).

NM_001267550.2(TTN):c.60348del (p.Ser20117fs)

Genes: TTN (titin; minus strand), TTN-AS1 (TTN antisense RNA 1; plus strand). Cytogenetic location: 2q31.2.
Variant type: Deletion.
Coding change: c.60348del on transcript NM_001267550.2 (MANE Select); coding-DNA position 60348, one base deleted (G; older notation c.60348delG).
Protein change: p.Ser20117fs; shifts the reading frame from serine 20117.
Molecular consequence: frameshift variant.
Genome position (GRCh38, 1-based): chr2:178,591,377, C deleted on the plus strand (G on the coding strand, the reverse complement: TTN is on the minus strand); the first of 3 consecutive C bases (chr2:178,591,377-178,591,379); deleting any one gives the same sequence. VCF-style (leftmost placement, unchanged base first): chr2-178591376-TC-T. GRCh37 (hg19) VCF-style: chr2-179456103-TC-T.
Other names: c.55425del, p.Ser18476fs (NM_001256850.1); c.33153del, p.Ser11052fs (NM_003319.4); c.52644del, p.Ser17549fs (NM_133378.4); c.33528del, p.Ser11177fs (NM_133432.3); c.33729del, p.Ser11244fs (NM_133437.4); short protein forms S11052fs, S17549fs, S18476fs, S11177fs, S11244fs, S20117fs.
Identifiers: ClinVar variation 2941856 (VCV002941856.4), dbSNP rs2469475039, ClinGen allele CA2740096097.